The following is an entry in ClinVar:

ClinVar aggregate classification (germline): Likely benign. Review status: criteria provided, multiple submitters, no conflicts (2 of 4 stars). 2 submissions from 2 submitters: Likely benign (2). Last evaluated 2024-02-01.

Allele frequency attached by ClinVar (database versions not stated): ExAC 0.00017; gnomAD exomes 0.00022 and 0.00052; TOPMed 0.00030; 1000 Genomes Project 30x 0.00031; gnomAD 0.00031; 1000 Genomes Project 0.00040; ESP Exome Variant Server 0.00046.
gnomAD v4.1: 796 of 1,612,982 alleles (0.049%); highest among the groups gnomAD compares: Non-Finnish European, 0.063%; 1 homozygote.

Submissions (2):

CeGaT Center for Human Genetics Tuebingen
Classification: Likely benign. Last evaluated: 2024-02-01. Review status: criteria provided, single submitter. Criteria: CeGaT Center For Human Genetics Tuebingen Variant Classification Criteria Version 2. Collection method: clinical testing. Allele origin: germline. Affected: yes. Observed: 1 variant allele.
Comment: KDM4B: BP4, BP7

Labcorp Genetics (formerly Invitae), Labcorp
Classification: Likely benign. Last evaluated: 2018-07-26. Review status: criteria provided, single submitter. Criteria: Invitae Variant Classification Sherloc (09022015). Collection method: clinical testing. Allele origin: germline.

NM_015015.3(KDM4B):c.990C>T (p.Tyr330=)

Gene: KDM4B (lysine demethylase 4B; plus strand). Cytogenetic location: 19p13.3.
Variant type: single nucleotide variant.
Coding change: c.990C>T on transcript NM_015015.3 (MANE Select); coding-DNA position 990, C replaced by T.
Protein change: p.Tyr330=; no amino-acid change (tyrosine 330 retained).
Molecular consequence: synonymous variant.
Genome position (GRCh38, 1-based): chr19:5,110,693, C>T. VCF-style: chr19-5110693-C-T. GRCh37 (hg19) VCF-style: chr19-5110704-C-T.
Other names: c.990C>T, p.Tyr330= (NM_001370093.1, NM_001370094.1).
Identifiers: ClinVar variation 727939 (VCV000727939.25), dbSNP rs140196276, ClinGen allele CA9107552.